The following is an entry in ClinVar:

ClinVar aggregate classification (germline): Uncertain significance (1 of 4 stars; one submission).

Conditions:
Malignant hyperthermia, susceptibility to, 5 (MHS5). Also called: CACNA1S-Related Malignant Hyperthermia Susceptibility. Identifiers: Orphanet 423, MedGen C1866077, MONDO:0011163, OMIM 601887.

gnomAD v4.1: 1 of 1,612,538 alleles (0.000062%); highest among the groups gnomAD compares: Non-Finnish European, 0.000085%; no homozygotes.

Submission:

Color Diagnostics, LLC DBA Color Health
Classification: Uncertain significance for Malignant hyperthermia, susceptibility to, 5. Last evaluated: 2025-09-01. Review status: criteria provided, single submitter. Criteria: ACMG Guidelines, 2015. Collection method: clinical testing. Allele origin: germline.
Comment: This missense variant replaces isoleucine with threonine at codon 895 of the CACNA1S protein. Computational prediction suggests that this variant may have deleterious impact on protein structure and function. To our knowledge, functional studies have not been reported for this variant. This variant has not been reported in individuals affected with CACNA1S-related disorders in the literature. This variant has not been identified in the general population by the Genome Aggregation Database (gnomAD). The available evidence is insufficient to determine the role of this variant in disease conclusively. Therefore, this variant is classified as a Variant of Uncertain Significance.

NM_000069.3(CACNA1S):c.2684T>C (p.Ile895Thr)

Gene: CACNA1S (calcium voltage-gated channel subunit alpha1 S; minus strand). Cytogenetic location: 1q32.1.
Variant type: single nucleotide variant.
Coding change: c.2684T>C on transcript NM_000069.3 (MANE Select); coding-DNA position 2684, T replaced by C.
Protein change: p.Ile895Thr; replaces isoleucine 895 with threonine.
Molecular consequence: missense variant.
Genome position (GRCh38, 1-based): chr1:201,066,290, A>G on the plus strand (T>C on the coding strand, the complement: CACNA1S is on the minus strand). VCF-style: chr1-201066290-A-G. GRCh37 (hg19) VCF-style: chr1-201035418-A-G.
Other names: short protein forms I895T.
Identifiers: ClinVar variation 4756252 (VCV004756252.1).
Genomic context (GRCh38, chr1:201,066,290, plus strand): 5'-TTCAACCCCTTGGCTCTGTTGATGGCTCTGAGTGGTCGGAGCACCCTCAGCACCCTCAGG[A>G]TCTTCACCACGGAGATGGCACTGGACCTGGGGGGCGGCAATGGTGAGGGGGCTGAGGGCA-3'
Protein context (NP_000060.2, residues 885-905): LESSAISVVK[Ile895Thr]LRVLRVLRPL